The following is an entry in ClinVar:

NM_001844.5(COL2A1):c.343A>G (p.Ile115Val)

Gene: COL2A1 (collagen type II alpha 1 chain; minus strand). Cytogenetic location: 12q13.11.
Variant type: single nucleotide variant.
Coding change: c.343A>G on transcript NM_001844.5 (MANE Select); coding-DNA position 343, A replaced by G.
Protein change: p.Ile115Val; replaces isoleucine 115 with valine.
Molecular consequence: missense variant.
Genome position (GRCh38, 1-based): chr12:47,998,064, T>C on the plus strand (A>G on the coding strand, the complement: COL2A1 is on the minus strand). VCF-style: chr12-47998064-T-C. GRCh37 (hg19) VCF-style: chr12-48391847-T-C.
Other names: c.136A>G, p.Ile46Val (NM_033150.3); short protein forms I115V, I46V.
Identifiers: ClinVar variation 2720127 (VCV002720127.3), dbSNP rs1329462343, ClinGen allele CA384525230.

ClinVar aggregate classification (germline): Uncertain significance (1 of 4 stars; one submission).

Allele frequency attached by ClinVar (database versions not stated): gnomAD exomes below 0.00001; gnomAD 0.00002; TOPMed 0.00002.
gnomAD v4.1: 4 of 1,614,046 alleles (0.00025%); highest among the groups gnomAD compares: African/African-American, 0.0053%; no homozygotes.

Submission:

Labcorp Genetics (formerly Invitae), Labcorp
Classification: Uncertain significance. Last evaluated: 2024-03-01. Review status: criteria provided, single submitter. Criteria: Invitae Variant Classification Sherloc (09022015). Collection method: clinical testing. Allele origin: germline.
Comment: This sequence change replaces isoleucine, which is neutral and non-polar, with valine, which is neutral and non-polar, at codon 115 of the COL2A1 protein (p.Ile115Val). This variant is not present in population databases (gnomAD no frequency). This variant has not been reported in the literature in individuals affected with COL2A1-related conditions. Algorithms developed to predict the effect of missense changes on protein structure and function output the following: SIFT: "Not Available"; PolyPhen-2: "Not Available"; Align-GVGD: "Not Available". The valine amino acid residue is found in multiple mammalian species, which suggests that this missense change does not adversely affect protein function. In summary, the available evidence is currently insufficient to determine the role of this variant in disease. Therefore, it has been classified as a Variant of Uncertain Significance.